The following is an entry in ClinVar:

NM_000103.4(CYP19A1):c.*2624C>T

Genes: CYP19A1 (cytochrome P450 family 19 subfamily A member 1; minus strand), PIRC66 (piwi-interacting RNA cluster 66; plus strand), MIR4713HG (MIR4713 host gene; plus strand). Cytogenetic location: 15q21.2.
Variant type: single nucleotide variant.
Coding change: c.*2624C>T on transcript NM_000103.4 (MANE Select); 2624 bases downstream of the stop codon, C replaced by T.
Molecular consequence: 3 prime UTR variant.
Genome position (GRCh38, 1-based): chr15:51,208,184, G>A on the plus strand (C>T on the coding strand, the complement: CYP19A1 is on the minus strand). VCF-style: chr15-51208184-G-A. GRCh37 (hg19) VCF-style: chr15-51500381-G-A.
Other names: c.*2624C>T (NM_001347248.1, NM_001347249.2, NM_001347250.2 and 7 more transcripts).
Identifiers: ClinVar variation 887216 (VCV000887216.4), dbSNP rs562193184, ClinGen allele CA270547353.

ClinVar aggregate classification (germline): Benign (1 of 4 stars; one submission).

Conditions:
Aromatase deficiency. Also called: Increased aromatase activity; PSEUDOHERMAPHRODITISM, FEMALE, DUE TO PLACENTAL AROMATASE DEFICIENCY. Identifiers: Orphanet 91, MedGen C1960539, MONDO:0013301, OMIM 613546.

Allele frequency attached by ClinVar (database versions not stated): gnomAD 0.00002 and 0.00060; TOPMed 0.00012; 1000 Genomes Project 30x 0.00375; 1000 Genomes Project 0.00459.

Submission:

Illumina Laboratory Services, Illumina
Classification: Benign for Aromatase deficiency. Last evaluated: 2018-01-13. Review status: criteria provided, single submitter. Criteria: ICSL Variant Classification Criteria 13 December 2019. Collection method: clinical testing. Allele origin: germline.
Comment: This variant was observed in the ICSL laboratory as part of a predisposition screen in an ostensibly healthy population. It had not been previously curated by ICSL or reported in the Human Gene Mutation Database (HGMD: prior to June 1st, 2018), and was therefore a candidate for classification through an automated scoring system. Utilizing variant allele frequency, disease prevalence and penetrance estimates, and inheritance mode, an automated score was calculated to assess if this variant is too frequent to cause the disease. Based on the score and internal cut-off values, a variant classified as benign is not then subjected to further curation. The score for this variant resulted in a classification of benign for this disease.